The following is an entry in ClinVar:

NM_005477.3(HCN4):c.1870C>T (p.Arg624Trp)

Gene: HCN4 (hyperpolarization activated cyclic nucleotide gated potassium channel 4; minus strand). Cytogenetic location: 15q24.1.
Variant type: single nucleotide variant.
Coding change: c.1870C>T on transcript NM_005477.3 (MANE Select); coding-DNA position 1870, C replaced by T.
Protein change: p.Arg624Trp; replaces arginine 624 with tryptophan.
Molecular consequence: missense variant.
Genome position (GRCh38, 1-based): chr15:73,325,063, G>A on the plus strand (C>T on the coding strand, the complement: HCN4 is on the minus strand). VCF-style: chr15-73325063-G-A. GRCh37 (hg19) VCF-style: chr15-73617404-G-A.
Other names: short protein forms R624W.
Identifiers: ClinVar variation 470651 (VCV000470651.7), dbSNP rs545156905, ClinGen allele CA393090698.

ClinVar aggregate classification (germline): Uncertain significance. Review status: criteria provided, multiple submitters, no conflicts (2 of 4 stars). 2 submissions from 2 submitters: Uncertain significance (2). Last evaluated 2023-12-01.

Conditions:
Cardiovascular phenotype. Identifiers: MedGen CN230736.
Brugada syndrome 8 (BRGDA8). Identifiers: Orphanet 130, MedGen C2751083, MONDO:0013148, OMIM 613123.

gnomAD v4.1: 2 of 1,614,220 alleles (0.00012%); highest among the groups gnomAD compares: South Asian, 0.0011%; no homozygotes.

Submissions (2):

Labcorp Genetics (formerly Invitae), Labcorp
Classification: Uncertain significance for Brugada syndrome 8. Last evaluated: 2023-12-01. Review status: criteria provided, single submitter. Criteria: Invitae Variant Classification Sherloc (09022015). Collection method: clinical testing. Allele origin: germline.
Comment: This sequence change replaces arginine, which is basic and polar, with tryptophan, which is neutral and slightly polar, at codon 624 of the HCN4 protein (p.Arg624Trp). This variant is not present in population databases (gnomAD no frequency). This variant has not been reported in the literature in individuals affected with HCN4-related conditions. ClinVar contains an entry for this variant (Variation ID: 470651). Advanced modeling of protein sequence and biophysical properties (such as structural, functional, and spatial information, amino acid conservation, physicochemical variation, residue mobility, and thermodynamic stability) has been performed at Invitae for this missense variant, however the output from this modeling did not meet the statistical confidence thresholds required to predict the impact of this variant on HCN4 protein function. In summary, the available evidence is currently insufficient to determine the role of this variant in disease. Therefore, it has been classified as a Variant of Uncertain Significance.

Ambry Genetics
Classification: Uncertain significance for Cardiovascular phenotype. Last evaluated: 2023-11-10. Review status: criteria provided, single submitter. Criteria: Ambry Variant Classification Scheme 2023. Collection method: clinical testing. Allele origin: germline.
Comment: The p.R624W variant (also known as c.1870C>T), located in coding exon 6 of the HCN4 gene, results from a C to T substitution at nucleotide position 1870. The arginine at codon 624 is replaced by tryptophan, an amino acid with dissimilar properties. This amino acid position is conserved. In addition, this alteration is predicted to be deleterious by in silico analysis. Since supporting evidence is limited at this time, the clinical significance of this alteration remains unclear.